The following is an entry in ClinVar:

NM_001371623.1(TCOF1):c.378+1G>A

Gene: TCOF1 (treacle ribosome biogenesis factor 1; plus strand). Cytogenetic location: 5q32.
Variant type: single nucleotide variant.
Coding change: c.378+1G>A on transcript NM_001371623.1 (MANE Select); the canonical splice donor site of the intron after coding-DNA position 378, G replaced by A.
Molecular consequence: splice donor variant.
Genome position (GRCh38, 1-based): chr5:150,367,918, G>A. VCF-style: chr5-150367918-G-A. GRCh37 (hg19) VCF-style: chr5-149747481-G-A.
Other names: c.378+1G>A (NM_001135243.2, NM_001135244.2, NM_001195141.2 and 3 more transcripts).
Identifiers: ClinVar variation 639625 (VCV000639625.2), dbSNP rs1581064385, ClinGen allele CA361734042.
Genomic context (GRCh38, chr5:150,367,918, plus strand): 5'-TCTACCAACTCCTCAGTCCTGGGGGCGGACTTGCCATCAAGCATGAAAGAAAAAGCCAAG[G>A]TGAGTGGGACTGCCTTCCAAGCTATTGCCTATGGGATTTAAGGTGCCTGGTAGGGGACAG-3'

ClinVar aggregate classification (germline): Likely pathogenic. Review status: criteria provided, single submitter (1 of 4 stars). 2 submissions from 2 submitters: Likely pathogenic (1). 1 of the submissions does not count toward it. Last evaluated 2018-11-05.

Conditions:
Treacher Collins syndrome 1 (TCS1). Also called: TCOF1-Related Treacher Collins Syndrome. Identifiers: Orphanet 861, MedGen CN315775, MONDO:0007944, OMIM 154500.
TCOF1-related disorder. Also called: TCOF1-related condition.

Allele frequency attached by ClinVar (database versions not stated): gnomAD exomes below 0.00001.
gnomAD v4.1: 1 of 1,614,146 alleles (0.000062%); highest among the groups gnomAD compares: Non-Finnish European, 0.000085%; no homozygotes.

Submissions (2):

Labcorp Genetics (formerly Invitae), Labcorp
Classification: Likely pathogenic for Treacher Collins syndrome 1. Last evaluated: 2018-11-05. Review status: criteria provided, single submitter. Criteria: Invitae Variant Classification Sherloc (09022015). Collection method: clinical testing. Allele origin: germline.
Comment: This sequence change affects a donor splice site in intron 4 of the TCOF1 gene. It is expected to disrupt RNA splicing and likely results in an absent or disrupted protein product. This variant is not present in population databases (ExAC no frequency). This variant has not been reported in the literature in individuals with TCOF1-related disease. Algorithms developed to predict the effect of sequence changes on RNA splicing suggest that this variant may disrupt the consensus splice site, but this prediction has not been confirmed by published transcriptional studies. Donor and acceptor splice site variants typically lead to a loss of protein function (PMID: 16199547), and loss-of-function variants in TCOF1 are known to be pathogenic (PMID: 8894686, 22317976). In summary, the currently available evidence indicates that the variant is pathogenic, but additional data are needed to prove that conclusively. Therefore, this variant has been classified as Likely Pathogenic.

PreventionGenetics, part of Exact Sciences
Classification: Likely pathogenic for TCOF1-related condition. Last evaluated: 2024-08-22. Review status: no assertion criteria provided. Collection method: clinical testing. Allele origin: germline. Not counted in ClinVar's aggregate classification.
Comment: The TCOF1 c.378+1G>A variant is predicted to disrupt the GT donor site and interfere with normal splicing. To our knowledge this variant has not been reported in the literature or in a large population database, indicating this variant is rare. Variants that disrupt the consensus splice donor site in TCOF1 are expected to be pathogenic. This variant is interpreted as likely pathogenic.

Literature cited by the submitters: PubMed 8894686 (cited by Labcorp Genetics (formerly Invitae), Labcorp); PubMed 22317976 (cited by Labcorp Genetics (formerly Invitae), Labcorp).